The following is an entry in ClinVar:

NM_000264.5(PTCH1):c.430C>A (p.Arg144Ser)

Gene: PTCH1 (patched 1; minus strand). Cytogenetic location: 9q22.32.
Variant type: single nucleotide variant.
Coding change: c.430C>A on transcript NM_000264.5 (MANE Select); coding-DNA position 430, C replaced by A.
Protein change: p.Arg144Ser; replaces arginine 144 with serine.
Molecular consequence: missense variant. On other transcripts: 5 prime UTR variant (4), non-coding transcript variant (1).
Genome position (GRCh38, 1-based): chr9:95,485,839, G>T on the plus strand (C>A on the coding strand, the complement: PTCH1 is on the minus strand). VCF-style: chr9-95485839-G-T. GRCh37 (hg19) VCF-style: chr9-98248121-G-T.
Other names: c.232C>A, p.Arg78Ser (NM_001083602.3, NM_001354919.2); c.427C>A, p.Arg143Ser (NM_001083603.3); c.-24C>A (NM_001083604.3, NM_001083605.3, NM_001083606.3 and 1 more transcripts); c.430C>A, p.Arg144Ser (NM_001354918.2); short protein forms R78S, R144S, R143S.
Identifiers: ClinVar variation 4146903 (VCV004146903.1).

ClinVar aggregate classification (germline): Uncertain significance (1 of 4 stars; one submission).

Conditions:
Hereditary cancer-predisposing syndrome. Also called: Hereditary neoplastic syndrome; Neoplastic Syndromes, Hereditary; Tumor predisposition; Hereditary Cancer Syndrome. Identifiers: Orphanet 140162, MedGen C0027672, MeSH D009386, MONDO:0015356.

gnomAD v4.1: 1 of 1,614,128 alleles (0.000062%); highest among the groups gnomAD compares: African/African-American, 0.0013%; no homozygotes.

Submission:

Ambry Genetics
Classification: Uncertain significance for Hereditary cancer-predisposing syndrome. Last evaluated: 2025-09-01. Review status: criteria provided, single submitter. Criteria: Ambry Variant Classification Scheme 2023. Collection method: clinical testing. Allele origin: germline.
Comment: The p.R144S variant (also known as c.430C>A), located in coding exon 3 of the PTCH1 gene, results from a C to A substitution at nucleotide position 430. The arginine at codon 144 is replaced by serine, an amino acid with dissimilar properties. This amino acid position is conserved. In addition, this alteration is predicted to be deleterious by in silico analysis. Based on the available evidence, the clinical significance of this variant remains unclear.